The following is an entry in ClinVar:

ClinVar aggregate classification (germline): Likely benign. Review status: criteria provided, single submitter (1 of 4 stars). 2 submissions from 2 submitters: Likely benign (1). 1 of the submissions does not count toward it. Last evaluated 2025-06-23.

Conditions:
KSR2-related disorder. Also called: KSR2-related condition.

gnomAD v4.1: 6 of 1,606,242 alleles (0.00037%); highest among the groups gnomAD compares: Admixed American, 0.01%; no homozygotes.

Submissions (2):

Labcorp Genetics (formerly Invitae), Labcorp
Classification: Likely benign. Last evaluated: 2025-06-23. Review status: criteria provided, single submitter. Criteria: Invitae Variant Classification Sherloc (09022015). Collection method: clinical testing. Allele origin: germline.

PreventionGenetics, part of Exact Sciences
Classification: Likely benign for KSR2-related condition. Last evaluated: 2021-08-10. Review status: no assertion criteria provided. Collection method: clinical testing. Allele origin: germline. Not counted in ClinVar's aggregate classification.
Comment: This variant is classified as likely benign based on ACMG/AMP sequence variant interpretation guidelines (Richards et al. 2015 PMID: 25741868, with internal and published modifications).

NM_173598.6(KSR2):c.321+10G>A

Gene: KSR2 (kinase suppressor of ras 2; minus strand). Cytogenetic location: 12q24.23.
Variant type: single nucleotide variant.
Coding change: c.321+10G>A on transcript NM_173598.6 (MANE Select); 10 bases into the intron after coding-DNA position 321, G replaced by A.
Molecular consequence: intron variant.
Genome position (GRCh38, 1-based): chr12:117,860,281, C>T on the plus strand (G>A on the coding strand, the complement: KSR2 is on the minus strand). VCF-style: chr12-117860281-C-T. GRCh37 (hg19) VCF-style: chr12-118298086-C-T.
Identifiers: ClinVar variation 3352980 (VCV003352980.3).
Genomic context (GRCh38, chr12:117,860,281, plus strand): 5'-GCTCAAGAGCAACACAGGGGGTAGCTGCTGGCCAGTAAGGGGCAGGGGACACAGGGGCCC[C>T]CCAGGTCACCTCCAGGACCTCCTTGCGCACATCGACGATTCGGAACCAGTGCCGTAGCTG-3'